The following is an entry in ClinVar:

ClinVar aggregate classification (germline): Likely pathogenic (1 of 4 stars; one submission).

Submission:

GeneDx
Classification: Likely pathogenic. Last evaluated: 2017-06-16. Review status: criteria provided, single submitter. Criteria: GeneDx Variant Classification (06012015). Collection method: clinical testing. Allele origin: germline. Affected: yes.
Comment: The L200X variant in the MED23 gene has not been reported previously as a pathogenic variant nor as a benign variant, to our knowledge. This variant is predicted to cause loss of normal protein function either through protein truncation or nonsense-mediated mRNA decay. The L200X variant is not observed in large population cohorts (Lek et al., 2016; 1000 Genomes Consortium et al., 2015; Exome Variant Server). We interpret L200X as a likely pathogenic variant.

NM_004830.4(MED23):c.599T>G (p.Leu200Ter)

Gene: MED23 (mediator complex subunit 23; minus strand). Cytogenetic location: 6q23.2.
Variant type: single nucleotide variant.
Coding change: c.599T>G on transcript NM_004830.4 (MANE Select); coding-DNA position 599, T replaced by G.
Protein change: p.Leu200Ter; replaces leucine 200 with a stop codon.
Molecular consequence: nonsense.
Genome position (GRCh38, 1-based): chr6:131,619,895, A>C on the plus strand (T>G on the coding strand, the complement: MED23 is on the minus strand). VCF-style: chr6-131619895-A-C. GRCh37 (hg19) VCF-style: chr6-131941035-A-C.
Other names: c.599T>G, p.Leu200Ter (NM_001270521.2, NM_001270522.2, NM_015979.4); short protein forms L200*.
Identifiers: ClinVar variation 432703 (VCV000432703.2), dbSNP rs1554257255, ClinGen allele CA365646148.